The following is an entry in ClinVar:

NM_000256.3(MYBPC3):c.1223+4C>T

Gene: MYBPC3 (myosin binding protein C3; minus strand). Cytogenetic location: 11p11.2.
Variant type: single nucleotide variant.
Coding change: c.1223+4C>T on transcript NM_000256.3 (MANE Select); 4 bases into the intron after coding-DNA position 1223, C replaced by T.
Molecular consequence: intron variant.
Genome position (GRCh38, 1-based): chr11:47,343,488, G>A on the plus strand (C>T on the coding strand, the complement: MYBPC3 is on the minus strand). VCF-style: chr11-47343488-G-A. GRCh37 (hg19) VCF-style: chr11-47365039-G-A.
Identifiers: ClinVar variation 921935 (VCV000921935.3), dbSNP rs1348810506, ClinGen allele CA913187822.
Genomic context (GRCh38, chr11:47,343,488, plus strand): 5'-CAGGAGGCAAGGCTATGGGGGTCCCCACCTCCACCCGAGCCCCCCTCCCCACCCCAGGCT[G>A]CACCTGCCGCTCATCTGGATCTCCTGGCCATTCTTGAGCCATTTGACCTCAGCGTCATGG-3'

ClinVar aggregate classification (germline): Uncertain significance (1 of 4 stars; one submission).

Conditions:
Cardiomyopathy (CMYO). Also called: Cardiomyopathies. Identifiers: Orphanet 167848, MedGen C0878544, MONDO:0004994, HP:0001638. Inheritance: Various modes of inheritance.

gnomAD v4.1: 1 of 1,578,296 alleles (0.000063%); highest among the groups gnomAD compares: Non-Finnish European, 0.000086%; no homozygotes.

Submission:

Color Diagnostics, LLC DBA Color Health
Classification: Uncertain significance for Cardiomyopathy. Last evaluated: 2019-05-15. Review status: criteria provided, single submitter. Criteria: ACMG Guidelines, 2015. Collection method: clinical testing. Allele origin: germline.
Comment: This variant is located near intron 13 splice donor site of the MYBPC3 gene. Computational splicing tools are inconclusive regarding the impact of this variant on RNA splicing. To our knowledge, functional assays have not been performed for this variant nor has this variant been reported in individuals affected with cardiovascular disorders in the literature. This variant has not been identified in the general population by the Genome Aggregation Database (gnomAD). Available evidence is insufficient to determine the role of this variant in disease conclusively. Therefore, this variant is classified as a Variant of Uncertain Significance.